The following is an entry in ClinVar:

NM_000263.4(NAGLU):c.7G>T (p.Ala3Ser)

Genes: NAGLU (N-acetyl-alpha-glucosaminidase; plus strand), LOC130060903 (ATAC-STARR-seq lymphoblastoid silent region 8533; plus strand). Cytogenetic location: 17q21.2.
Variant type: single nucleotide variant.
Coding change: c.7G>T on transcript NM_000263.4 (MANE Select); coding-DNA position 7, G replaced by T.
Protein change: p.Ala3Ser; replaces alanine 3 with serine.
Molecular consequence: missense variant.
Genome position (GRCh38, 1-based): chr17:42,536,279, G>T. VCF-style: chr17-42536279-G-T. GRCh37 (hg19) VCF-style: chr17-40688297-G-T.
Other names: c.7G>T (NM_000263.3); short protein forms A3S.
Identifiers: ClinVar variation 1425595 (VCV001425595.5), dbSNP rs968875282, ClinGen allele CA290771185.

ClinVar aggregate classification (germline): Uncertain significance. Review status: criteria provided, multiple submitters, no conflicts (2 of 4 stars). 2 submissions from 2 submitters: Uncertain significance (2). Last evaluated 2023-08-19.

Conditions:
Inborn genetic diseases. Identifiers: MedGen C0950123, MeSH D030342.
Mucopolysaccharidosis, MPS-III-B (MPS3B). Also called: N-ACETYL-ALPHA-D-GLUCOSAMINIDASE DEFICIENCY; NAGLU DEFICIENCY; SANFILIPPO SYNDROME B; MPS III B; MPS IIIB (Sanfilippo Syndrome Type B); MUCOPOLYSACCHARIDOSIS, TYPE IIIB. Identifiers: Orphanet 79270, MedGen C0086648, MONDO:0009656, OMIM 252920.
Charcot-Marie-Tooth disease axonal type 2V. Also called: CHARCOT-MARIE-TOOTH NEUROPATHY, TYPE 2V; CHARCOT-MARIE-TOOTH DISEASE, AXONAL, AUTOSOMAL DOMINANT, TYPE 2V. Identifiers: Orphanet 447964, MedGen C5569050, MONDO:0014665, OMIM 616491.

Allele frequency attached by ClinVar (database versions not stated): gnomAD exomes below 0.00001; TOPMed 0.00002.

Submissions (2):

Ambry Genetics
Classification: Uncertain significance for Inborn genetic diseases. Last evaluated: 2023-08-19. Review status: criteria provided, single submitter. Criteria: Ambry Variant Classification Scheme 2023. Collection method: clinical testing. Allele origin: germline.

Labcorp Genetics (formerly Invitae), Labcorp
Classification: Uncertain significance for Charcot-Marie-Tooth disease axonal type 2V; Mucopolysaccharidosis, MPS-III-B. Last evaluated: 2022-06-26. Review status: criteria provided, single submitter. Criteria: Invitae Variant Classification Sherloc (09022015). Collection method: clinical testing. Allele origin: germline.
Comment: This sequence change replaces alanine, which is neutral and non-polar, with serine, which is neutral and polar, at codon 3 of the NAGLU protein (p.Ala3Ser). This variant is not present in population databases (gnomAD no frequency). This variant has not been reported in the literature in individuals affected with NAGLU-related conditions. Advanced modeling of protein sequence and biophysical properties (such as structural, functional, and spatial information, amino acid conservation, physicochemical variation, residue mobility, and thermodynamic stability) performed at Invitae indicates that this missense variant is not expected to disrupt NAGLU protein function. In summary, the available evidence is currently insufficient to determine the role of this variant in disease. Therefore, it has been classified as a Variant of Uncertain Significance.